The following is an entry in ClinVar:

NM_198965.2(PTHLH):c.134A>C (p.His45Pro)

Gene: PTHLH (parathyroid hormone like hormone; minus strand). Cytogenetic location: 12p11.22.
Variant type: single nucleotide variant.
Coding change: c.134A>C on transcript NM_198965.2 (MANE Select); coding-DNA position 134, A replaced by C.
Protein change: p.His45Pro; replaces histidine 45 with proline.
Molecular consequence: missense variant.
Genome position (GRCh38, 1-based): chr12:27,963,738, T>G on the plus strand (A>C on the coding strand, the complement: PTHLH is on the minus strand). VCF-style: chr12-27963738-T-G. GRCh37 (hg19) VCF-style: chr12-28116671-T-G.
Other names: c.134A>C, p.His45Pro (NM_002820.3, NM_198964.2, NM_198966.2); short protein forms H45P.
Identifiers: ClinVar variation 3903404 (VCV003903404.1).
Genomic context (GRCh38, chr12:27,963,738, plus strand): 5'-GCGATCAGATGGTGAAGGAAGAATCGTCGCCGTAAATCTTGGATGGACTTCCCCTTGTCA[T>G]GGAGGAGCTGATGTTCAGACACAGCTCTTTTGCTTTGAAAGAAAATATTAGAGGGGAAGA-3'
Protein context (NP_945316.1, residues 35-55): KRAVSEHQLL[His45Pro]DKGKSIQDLR

ClinVar aggregate classification (germline): Uncertain significance (1 of 4 stars; one submission).

Submission:

GeneDx
Classification: Uncertain significance. Last evaluated: 2024-12-13. Review status: criteria provided, single submitter. Criteria: GeneDx Variant Classification Process June 2021. Collection method: clinical testing. Allele origin: germline. Affected: yes.
Comment: Not observed at significant frequency in large population cohorts (gnomAD); In silico analysis supports that this missense variant has a deleterious effect on protein structure/function; Has not been previously published as pathogenic or benign to our knowledge